The following is an entry in ClinVar:

ClinVar aggregate classification (germline): Pathogenic/Likely pathogenic. Review status: criteria provided, multiple submitters, no conflicts (2 of 4 stars). 3 submissions from 3 submitters: Pathogenic (1); Likely pathogenic (2). Last evaluated 2025-04-23.

Conditions:
Arthrogryposis multiplex congenita 6. Identifiers: MedGen C5543431, MONDO:0030281, OMIM 619334.
Nemaline myopathy 2 (NEM2). Also called: Nemaline myopathy 2, autosomal recessive. Identifiers: MedGen C1850569, MONDO:0009725, OMIM 256030.

Allele frequency attached by ClinVar (database versions not stated): TOPMed 0.00001; gnomAD 0.00002.

Submissions (3):

Labcorp Genetics (formerly Invitae), Labcorp
Classification: Pathogenic for Nemaline myopathy 2. Last evaluated: 2025-04-23. Review status: criteria provided, single submitter. Criteria: Invitae Variant Classification Sherloc (09022015). Collection method: clinical testing. Allele origin: germline.
Comment: This sequence change creates a premature translational stop signal (p.Gln5759Argfs*40) in the NEB gene. It is expected to result in an absent or disrupted protein product. Loss-of-function variants in NEB are known to be pathogenic (PMID: 25205138). This variant is present in population databases (no rsID available, gnomAD 0.01%). This variant has not been reported in the literature in individuals affected with NEB-related conditions. ClinVar contains an entry for this variant (Variation ID: 1676462). For these reasons, this variant has been classified as Pathogenic.

Fulgent Genetics
Classification: Likely pathogenic for Nemaline myopathy 2; Arthrogryposis multiplex congenita 6. Last evaluated: 2024-05-29. Review status: criteria provided, single submitter. Criteria: ACMG Guidelines, 2015. Collection method: clinical testing. Allele origin: germline.

Greenwood Genetic Center Diagnostic Laboratories, Greenwood Genetic Center
Classification: Likely pathogenic for Nemaline myopathy 2. Last evaluated: 2022-03-02. Review status: criteria provided, single submitter. Criteria: ACMG Guidelines, 2015. Collection method: clinical testing. Allele origin: germline. Affected: yes.
Comment: PVS1, PM2

Literature cited by the submitters: PubMed 25205138 (cited by Labcorp Genetics (formerly Invitae), Labcorp).

NM_001164508.2(NEB):c.17276del (p.Gln5759fs)

Gene: NEB (nebulin; minus strand). Cytogenetic location: 2q23.3.
Variant type: Deletion.
Coding change: c.17276del on transcript NM_001164508.2 (MANE Select); coding-DNA position 17276, one base deleted (A; older notation c.17276delA).
Protein change: p.Gln5759fs; shifts the reading frame from glutamine 5759.
Molecular consequence: frameshift variant.
Genome position (GRCh38, 1-based): chr2:151,570,235, T deleted on the plus strand (A on the coding strand, the reverse complement: NEB is on the minus strand). VCF-style (leftmost placement, unchanged base first): chr2-151570234-CT-C. GRCh37 (hg19) VCF-style: chr2-152426748-CT-C.
Other names: c.17276del, p.Gln5759fs (NM_001164507.2, NM_001271208.2); c.12173del, p.Gln4058fs (NM_004543.5); short protein forms Q4058fs, Q5759fs.
Identifiers: ClinVar variation 1676462 (VCV001676462.5), dbSNP rs1346554177, ClinGen allele CA537030236.